The following is an entry in ClinVar:

NM_000444.6(PHEX):c.1979G>A (p.Trp660Ter)

Genes: PTCHD1-AS (PTCHD1 and PHEX antisense RNA; minus strand), PHEX (phosphate regulating endopeptidase X-linked; plus strand). Cytogenetic location: Xp22.11.
Variant type: single nucleotide variant.
Coding change: c.1979G>A on transcript NM_000444.6 (MANE Select); coding-DNA position 1979, G replaced by A.
Protein change: p.Trp660Ter; replaces tryptophan 660 with a stop codon.
Molecular consequence: nonsense. On other transcripts: non-coding transcript variant (1).
Genome position (GRCh38, 1-based): chrX:22,227,520, G>A. VCF-style: chrX-22227520-G-A. GRCh37 (hg19) VCF-style: chrX-22245637-G-A.
Other names: c.1979G>A, p.Trp660Ter (NM_001282754.2); short protein forms W660*.
Identifiers: ClinVar variation 280082 (VCV000280082.15), dbSNP rs886041369, ClinGen allele CA10603718.

ClinVar aggregate classification (germline): Pathogenic. Review status: criteria provided, multiple submitters, no conflicts (2 of 4 stars). 4 submissions from 4 submitters: Pathogenic (4). Last evaluated 2022-03-07.

Conditions:
Hypophosphatemic rickets. Identifiers: MedGen C1704375, MeSH D063730, MONDO:0024300, HP:0004912.
Familial X-linked hypophosphatemic vitamin D refractory rickets (XLHRD). Also called: Hypophosphatemia, vitamin D-resistant rickets; Vitamin D-resistant rickets, X-linked; X-Linked Hypophosphatemia; Hypophosphatemic Rickets, X-Linked Dominant; HYPOPHOSPHATEMIC VITAMIN D-RESISTANT RICKETS. Identifiers: Orphanet 89936, MedGen C0733682, MONDO:0010619, OMIM 307800.

Submissions (4):

Laboratory of Cyto-molecular Genetics, Department of Anatomy, All India Institute of Medical Sciences (AIIMS), New Delhi
Classification: Pathogenic for Hypophosphatemic rickets. Last evaluated: 2022-03-07. Review status: criteria provided, single submitter. Criteria: ACMG Guidelines, 2015. Collection method: clinical testing. Allele origin: de novo. Affected: yes. Observed: 1 variant allele.
Comment: p.(Trp660*), nonsense variant

Labcorp Genetics (formerly Invitae), Labcorp
Classification: Pathogenic. Last evaluated: 2019-12-17. Review status: criteria provided, single submitter. Criteria: Invitae Variant Classification Sherloc (09022015). Collection method: clinical testing. Allele origin: germline.
Comment: For these reasons, this variant has been classified as Pathogenic. Loss-of-function variants in PHEX are known to be pathogenic (PMID: 9097956, 9106524, 19219621). This variant has been observed in an individual affected with hypophosphatemic rickets (PMID: 9199930). ClinVar contains an entry for this variant (Variation ID: 280082). This variant is not present in population databases (ExAC no frequency). This sequence change creates a premature translational stop signal (p.Trp660*) in the PHEX gene. It is expected to result in an absent or disrupted protein product.

GeneDx
Classification: Pathogenic. Last evaluated: 2018-10-26. Review status: criteria provided, single submitter. Criteria: GeneDx Variant Classification (06012015). Collection method: clinical testing. Allele origin: germline. Affected: yes.
Comment: The W660X nonsense variant in the PHEX gene has been reported previously in association with X-linked hypophosphatemic rickets (Francis et al., 1997). This variant is predicted to cause loss of normal protein function either through protein truncation or nonsense-mediated mRNA decay. The variant was not observed in approximately 6,500 individuals of European and African American ancestry in the NHLBI Exome Sequencing Project, indicating it is not a common benign variant in these populations. Therefore, we consider this variant to be pathogenic.

Institute of Human Genetics Munich, TUM University Hospital
Classification: Pathogenic for Familial X-linked hypophosphatemic vitamin D refractory rickets. Last evaluated: 2017-06-12. Review status: criteria provided, single submitter. Criteria: Classification criteria August 2017. Collection method: clinical testing. Allele origin: germline. Inheritance: X-linked inheritance. Affected: yes. Observed: 1 hemizygote.

Literature cited by the submitters: PubMed 35738466 (cited by Laboratory of Cyto-molecular Genetics, Department of Anatomy, All India Institute of Medical Sciences (AIIMS), New Delhi); PubMed 9097956 (cited by Labcorp Genetics (formerly Invitae), Labcorp); PubMed 9106524 (cited by Labcorp Genetics (formerly Invitae), Labcorp); PubMed 19219621 (cited by Labcorp Genetics (formerly Invitae), Labcorp); PubMed 9199930 (cited by Labcorp Genetics (formerly Invitae), Labcorp and Institute of Human Genetics Munich, TUM University Hospital).